The following is an entry in ClinVar:

NM_004360.5(CDH1):c.53C>A (p.Ser18Tyr)

Gene: CDH1 (cadherin 1; plus strand). Cytogenetic location: 16q22.1.
Variant type: single nucleotide variant.
Coding change: c.53C>A on transcript NM_004360.5 (MANE Select); coding-DNA position 53, C replaced by A.
Protein change: p.Ser18Tyr; replaces serine 18 with tyrosine.
Molecular consequence: missense variant. On other transcripts: 5 prime UTR variant (2).
Genome position (GRCh38, 1-based): chr16:68,738,301, C>A. VCF-style: chr16-68738301-C-A. GRCh37 (hg19) VCF-style: chr16-68772204-C-A.
Other names: c.53C>A, p.Ser18Tyr (NM_001317184.2); c.-1563C>A (NM_001317185.2); c.-1767C>A (NM_001317186.2); short protein forms S18Y.
Identifiers: ClinVar variation 2502977 (VCV002502977.1), dbSNP rs2543816506, ClinGen allele CA396451600.

ClinVar aggregate classification (germline): Uncertain significance (1 of 4 stars; one submission).

Conditions:
Hereditary diffuse gastric adenocarcinoma (HDGC). Also called: DIFFUSE GASTRIC AND LOBULAR BREAST CANCER SYNDROME. Identifiers: Orphanet 26106, MedGen C1708349, MONDO:0007648, OMIM 137215.

Submission:

European Reference Network on Genetic Tumour Risk Syndromes (ERN-GENTURIS), i3s - Instituto de Investigação e Inovação em Saúde, University of Porto
Classification: Uncertain significance for Hereditary diffuse gastric adenocarcinoma. Last evaluated: 2022-08-01. Review status: criteria provided, single submitter. Criteria: Lee et al. (Hum Mutat. 2018). Collection method: clinical testing. Allele origin: germline. Inheritance: Autosomal dominant inheritance. Affected: no. Study: ERN GENTURIS.
Comment: PM2 (PMID: 30311375)

Literature cited by the submitters: PubMed 36436516.